The following is an entry in ClinVar:

ClinVar aggregate classification (germline): Pathogenic (1 of 4 stars; one submission).

Conditions:
Pyridoxine-dependent epilepsy (EPEO4). Also called: PYRIDOXINE DEPENDENCY WITH SEIZURES; Pyridoxine-Dependent Seizures; EPILEPSY, EARLY-ONSET, 4, VITAMIN B6-DEPENDENT; Pyridoxine-Dependent Epilepsy - ALDH7A1. Identifiers: Orphanet 3006, MedGen C1849508, MONDO:0009945, OMIM 266100. Disease mechanism: loss of function.

Submission:

Labcorp Genetics (formerly Invitae), Labcorp
Classification: Pathogenic for Pyridoxine-dependent epilepsy. Last evaluated: 2023-11-27. Review status: criteria provided, single submitter. Criteria: Invitae Variant Classification Sherloc (09022015). Collection method: clinical testing. Allele origin: germline.
Comment: This variant, c.332_334del, results in the deletion of 1 amino acid(s) of the ALDH7A1 protein (p.Gly111del), but otherwise preserves the integrity of the reading frame. This variant is not present in population databases (gnomAD no frequency). This variant has not been reported in the literature in individuals affected with ALDH7A1-related conditions. This variant disrupts a region of the ALDH7A1 protein in which other variant(s) (p.Gly111Glu) have been determined to be pathogenic (PMID: 19142996, 20554659). This suggests that this is a clinically significant region of the protein, and that variants that disrupt it are likely to be disease-causing. For these reasons, this variant has been classified as Pathogenic.

Literature cited by the submitters: PubMed 19142996; PubMed 20554659.

NM_001182.5(ALDH7A1):c.329GAG[1] (p.Gly111del)

Gene: ALDH7A1 (aldehyde dehydrogenase 7 family member A1; minus strand). Cytogenetic location: 5q23.2.
Variant type: Microsatellite.
Coding change: c.329GAG[1] on transcript NM_001182.5 (MANE Select); one copy of the 3-base unit GAG starting at c.329; the reference has two copies in a row; one copy, 3 bases deleted.
Protein change: p.Gly111del; deletes glycine 111.
Molecular consequence: inframe deletion.
Genome position (GRCh38, 1-based): chr5:126,583,991-126,583,993, CTC deleted on the plus strand (GAG on the coding strand, the reverse complement: ALDH7A1 is on the minus strand); deleting any 3 consecutive bases within chr5:126,583,991-126,583,996 gives the same sequence; the position shown is the placement nearest the transcript's 3' end. VCF-style (leftmost placement, unchanged base first): chr5-126583990-TCTC-T. GRCh37 (hg19) VCF-style: chr5-125919682-TCTC-T.
Other names: c.245GAG[1], p.Gly83del (NM_001201377.2); c.329GAG[1], p.Gly111del (NM_001202404.2); short protein forms G111del, G83del.
Identifiers: ClinVar variation 2910817 (VCV002910817.3), dbSNP rs1267263468, ClinGen allele CA803475866.